The following is an entry in ClinVar:

ClinVar aggregate classification (germline): Conflicting classifications of pathogenicity. Review status: criteria provided, conflicting classifications (1 of 4 stars). 11 submissions from 11 submitters: Uncertain significance (2); Benign (1); Likely benign (4). 4 of the submissions do not count toward it. Last evaluated 2026-06-01.

Conditions:
Mitochondrial complex I deficiency. Also called: NADH:Q(1) OXIDOREDUCTASE DEFICIENCY. Identifiers: Orphanet 2609, MedGen C1838979, MeSH C537475, MONDO:0100133.
NUBPL-related disorder. Also called: NUBPL-related condition.
Mitochondrial complex I deficiency, nuclear type 1. Also called: NADH-COENZYME Q REDUCTASE DEFICIENCY; MITOCHONDRIAL NADH DEHYDROGENASE COMPONENT OF COMPLEX I, DEFICIENCY OF. Identifiers: MedGen C6022305, MONDO:0100224, OMIM 252010.
Mitochondrial complex I deficiency, nuclear type 21. Also called: Mitochondrial complex 1 deficiency, nuclear type 21. Identifiers: MedGen C4748792, MONDO:0032625, OMIM 618242.

Allele frequency attached by ClinVar (database versions not stated): 1000 Genomes Project 30x 0.00031; 1000 Genomes Project 0.00040; TOPMed 0.00208; gnomAD exomes 0.00248 and 0.00278; gnomAD 0.00253 and 0.00260; ExAC 0.00289; ESP Exome Variant Server 0.00319.
gnomAD v4.1: 4,450 of 1,612,978 alleles (0.28%); highest among the groups gnomAD compares: Non-Finnish European, 0.33%; 10 homozygotes.

Submissions (11):

CeGaT Center for Human Genetics Tuebingen
Classification: Likely benign. Last evaluated: 2026-06-01. Review status: criteria provided, single submitter. Criteria: CeGaT Center For Human Genetics Tuebingen Variant Classification Criteria Version 2. Collection method: clinical testing. Allele origin: germline. Affected: yes. Observed: 8 variant alleles.
Comment: NUBPL: BS1

Labcorp Genetics (formerly Invitae), Labcorp
Classification: Likely benign. Last evaluated: 2026-01-27. Review status: criteria provided, single submitter. Criteria: Invitae Variant Classification Sherloc (09022015). Collection method: clinical testing. Allele origin: germline.

Blueprint Genetics
Classification: Likely benign. Last evaluated: 2024-11-22. Review status: criteria provided, single submitter. Criteria: ACMG Guidelines, 2015. Collection method: clinical testing. Allele origin: germline.

Department of Pathology and Laboratory Medicine, Sinai Health System
Classification: Uncertain significance for Mitochondrial complex I deficiency, nuclear type 21. Last evaluated: 2023-01-16. Review status: criteria provided, single submitter. Criteria: ACMG Guidelines, 2015. Collection method: research. Allele origin: germline.

GeneDx
Classification: Benign. Last evaluated: 2018-05-16. Review status: criteria provided, single submitter. Criteria: GeneDx Variant Classification Process June 2021. Collection method: clinical testing. Allele origin: germline. Affected: yes.

Illumina Laboratory Services, Illumina
Classification: Uncertain significance for Mitochondrial complex I deficiency, nuclear type 1. Last evaluated: 2018-01-12. Review status: criteria provided, single submitter. Criteria: ICSL Variant Classification Criteria 13 December 2019. Collection method: clinical testing. Allele origin: germline.

Center for Pediatric Genomic Medicine, Children's Mercy Hospital and Clinics
Classification: Likely benign. Last evaluated: 2016-09-15. Review status: criteria provided, single submitter. Criteria: ACMG Guidelines, 2015. Collection method: clinical testing. Allele origin: germline.
ClinVar note: Converted during submission from Likely Benign to Likely benign.

PreventionGenetics, part of Exact Sciences
Classification: Likely benign for NUBPL-related condition. Last evaluated: 2020-08-18. Review status: no assertion criteria provided. Collection method: clinical testing. Allele origin: germline. Not counted in ClinVar's aggregate classification.
Comment: This variant is classified as likely benign based on ACMG/AMP sequence variant interpretation guidelines (Richards et al. 2015 PMID: 25741868, with internal and published modifications).

Mayo Clinic Laboratories, Mayo Clinic
Classification: Uncertain significance. Last evaluated: 2016-02-23. Review status: no assertion criteria provided. Collection method: clinical testing. Allele origin: unknown. Not counted in ClinVar's aggregate classification.

Clinical Genetics DNA and cytogenetics Diagnostics Lab, Erasmus MC, Erasmus Medical Center
Classification: Likely benign. Review status: no assertion criteria provided. Collection method: clinical testing. Allele origin: germline. Affected: yes. Study: VKGL Data-share Consensus. Not counted in ClinVar's aggregate classification.

Diagnostic Laboratory, Department of Genetics, University Medical Center Groningen
Classification: Likely benign. Review status: no assertion criteria provided. Collection method: clinical testing. Allele origin: germline. Affected: yes. Study: VKGL Data-share Consensus. Not counted in ClinVar's aggregate classification.

NM_025152.3(NUBPL):c.545T>C (p.Val182Ala)

Gene: NUBPL (NUBP iron-sulfur cluster assembly factor, mitochondrial; plus strand). Cytogenetic location: 14q12.
Variant type: single nucleotide variant.
Coding change: c.545T>C on transcript NM_025152.3 (MANE Select); coding-DNA position 545, T replaced by C.
Protein change: p.Val182Ala; replaces valine 182 with alanine.
Molecular consequence: missense variant. On other transcripts: 5 prime UTR variant (1).
Genome position (GRCh38, 1-based): chr14:31,787,811, T>C. VCF-style: chr14-31787811-T-C. GRCh37 (hg19) VCF-style: chr14-32257017-T-C.
Other names: c.257T>C, p.Val86Ala (NM_001201573.2); c.-5T>C (NM_001201574.2); short protein forms V182A, V86A.
Identifiers: ClinVar variation 214874 (VCV000214874.68), dbSNP rs61752327, ClinGen allele CA321423.